The following is an entry in ClinVar:

ClinVar aggregate classification (germline): Likely benign. Review status: criteria provided, single submitter (1 of 4 stars). 2 submissions from 2 submitters: Likely benign (1). 1 of the submissions does not count toward it. Last evaluated 2024-11-27.

Conditions:
TRIOBP-related disorder. Also called: TRIOBP-related condition.

Submissions (2):

Blueprint Genetics
Classification: Likely benign. Last evaluated: 2024-11-27. Review status: criteria provided, single submitter. Criteria: ACMG Guidelines, 2015. Collection method: clinical testing. Allele origin: germline.

PreventionGenetics, part of Exact Sciences
Classification: Likely benign for TRIOBP-related condition. Last evaluated: 2022-01-22. Review status: no assertion criteria provided. Collection method: clinical testing. Allele origin: germline. Not counted in ClinVar's aggregate classification.
Comment: This variant is classified as likely benign based on ACMG/AMP sequence variant interpretation guidelines (Richards et al. 2015 PMID: 25741868, with internal and published modifications).

NM_001039141.3(TRIOBP):c.5322+5281GGC[6]

Gene: TRIOBP (TRIO and F-actin binding protein; plus strand). Cytogenetic location: 22q13.1.
Variant type: Microsatellite.
Coding change: c.5322+5281GGC[6] on transcript NM_001039141.3 (MANE Select); six copies in a row of the 3-base unit GGC starting at c.5322+5281.
Molecular consequence: intron variant.
Genome position: GRCh38 VCF-style: chr22-37746312-GGGC-G. GRCh37 (hg19) VCF-style: chr22-38142319-GGGC-G.
Other names: c.96_98delCGG (NM_007032.5); c.78CGG[6], p.Gly33del (NM_007032.5, NM_138632.2); short protein forms G33del.
Identifiers: ClinVar variation 3039200 (VCV003039200.3), dbSNP rs953748818, ClinGen allele CA324148726.